The following is an entry in ClinVar:

NM_001174150.2(ARL13B):c.440dup (p.Ser148fs)

Gene: ARL13B (ARF like GTPase 13B; plus strand). Cytogenetic location: 3q11.2.
Variant type: Duplication.
Coding change: c.440dup on transcript NM_001174150.2 (MANE Select); coding-DNA position 440, one base duplicated (T; older notation c.440dupT).
Protein change: p.Ser148fs; shifts the reading frame from serine 148.
Molecular consequence: frameshift variant. On other transcripts: non-coding transcript variant (2).
Genome position (GRCh38, 1-based): chr3:94,035,390, T duplicated. VCF-style (leftmost placement, unchanged base first): chr3-94035389-C-CT. GRCh37 (hg19) VCF-style: chr3-93754233-C-CT.
Other names: c.131dup, p.Ser45fs (NM_001174151.2); c.395dup, p.Ser133fs (NM_001321328.2); c.119dup, p.Ser41fs (NM_144996.4); c.440dup, p.Ser148fs (NM_182896.3); short protein forms S148fs, S41fs, S45fs, S133fs.
Identifiers: ClinVar variation 1370150 (VCV001370150.6), dbSNP rs2107111639, ClinGen allele CA2573137524.

ClinVar aggregate classification (germline): Pathogenic (1 of 4 stars; one submission).

Conditions:
Joubert syndrome 8 (JBTS8). Identifiers: Orphanet 475, MedGen C2676771, MONDO:0012855, OMIM 612291.

Submission:

Labcorp Genetics (formerly Invitae), Labcorp
Classification: Pathogenic for Joubert syndrome 8. Last evaluated: 2022-06-20. Review status: criteria provided, single submitter. Criteria: Invitae Variant Classification Sherloc (09022015). Collection method: clinical testing. Allele origin: germline.
Comment: This variant is not present in population databases (gnomAD no frequency). This variant has not been reported in the literature in individuals affected with ARL13B-related conditions. For these reasons, this variant has been classified as Pathogenic. This sequence change creates a premature translational stop signal (p.Ser148Ilefs*8) in the ARL13B gene. It is expected to result in an absent or disrupted protein product. Loss-of-function variants in ARL13B are known to be pathogenic (PMID: 18674751).

Literature cited by the submitters: PubMed 18674751.